The following is an entry in ClinVar:

ClinVar aggregate classification (germline): Uncertain significance. Review status: criteria provided, single submitter (1 of 4 stars). 2 submissions from 2 submitters: Uncertain significance (1). 1 of the submissions does not count toward it. Last evaluated 2024-05-28.

Conditions:
GM1 gangliosidosis. Identifiers: Orphanet 354, MedGen C0085131, MONDO:0018149.
Mucopolysaccharidosis, MPS-IV-B (MPS4B). Also called: Mucopolysaccharidosis type 4B; Mucopolysaccharidosis Type IVB (Morquio B Disease); MORQUIO SYNDROME B; Mucopolysaccharidosis type IVB (Morquio); MPS IVB; Mucopolysaccharidosis type IV B. Identifiers: Orphanet 309310, Orphanet 582, MedGen C0086652, MONDO:0009660, OMIM 253010.

Allele frequency attached by ClinVar (database versions not stated): gnomAD exomes below 0.00001; TOPMed below 0.00001.

Submissions (2):

Labcorp Genetics (formerly Invitae), Labcorp
Classification: Uncertain significance for Mucopolysaccharidosis, MPS-IV-B; GM1 gangliosidosis. Last evaluated: 2024-05-28. Review status: criteria provided, single submitter. Criteria: Invitae Variant Classification Sherloc (09022015). Collection method: clinical testing. Allele origin: germline.
Comment: This sequence change replaces glycine, which is neutral and non-polar, with glutamic acid, which is acidic and polar, at codon 94 of the GLB1 protein (p.Gly94Glu). This variant is not present in population databases (gnomAD no frequency). This variant has not been reported in the literature in individuals affected with GLB1-related conditions. ClinVar contains an entry for this variant (Variation ID: 591171). Advanced modeling of protein sequence and biophysical properties (such as structural, functional, and spatial information, amino acid conservation, physicochemical variation, residue mobility, and thermodynamic stability) performed at Invitae indicates that this missense variant is expected to disrupt GLB1 protein function with a positive predictive value of 95%. In summary, the available evidence is currently insufficient to determine the role of this variant in disease. Therefore, it has been classified as a Variant of Uncertain Significance.

Gharavi Laboratory, Columbia University
Classification: Uncertain significance. Last evaluated: 2018-09-16. Review status: no assertion criteria provided. Criteria: ACMG Guidelines, 2015. Collection method: research. Allele origin: germline. Affected: yes. Not counted in ClinVar's aggregate classification.

NM_000404.4(GLB1):c.281G>A (p.Gly94Glu)

Gene: GLB1 (galactosidase beta 1; minus strand). Cytogenetic location: 3p22.3.
Variant type: single nucleotide variant.
Coding change: c.281G>A on transcript NM_000404.4 (MANE Select); coding-DNA position 281, G replaced by A.
Protein change: p.Gly94Glu; replaces glycine 94 with glutamic acid.
Molecular consequence: missense variant. On other transcripts: intron variant (1).
Genome position (GRCh38, 1-based): chr3:33,068,935, C>T on the plus strand (G>A on the coding strand, the complement: GLB1 is on the minus strand). VCF-style: chr3-33068935-C-T. GRCh37 (hg19) VCF-style: chr3-33110427-C-T.
Other names: c.191G>A, p.Gly64Glu (NM_001079811.3); c.425G>A, p.Gly142Glu (NM_001317040.2); c.281G>A, p.Gly94Glu (NM_001393580.1); c.246-3378G>A (NM_001135602.3); short protein forms G94E, G142E, G64E.
Identifiers: ClinVar variation 591171 (VCV000591171.7), dbSNP rs1430354883, ClinGen allele CA351995252.